The following is an entry in ClinVar:

NM_052904.4(KLHL32):c.753C>T (p.Val251=)

Gene: KLHL32 (kelch like family member 32; plus strand). Cytogenetic location: 6q16.1.
Variant type: single nucleotide variant.
Coding change: c.753C>T on transcript NM_052904.4 (MANE Select); coding-DNA position 753, C replaced by T.
Protein change: p.Val251=; no amino-acid change (valine 251 retained).
Molecular consequence: synonymous variant. On other transcripts: intron variant (1), missense variant (1), 3 prime UTR variant (2).
Genome position (GRCh38, 1-based): chr6:97,113,908, C>T. VCF-style: chr6-97113908-C-T. GRCh37 (hg19) VCF-style: chr6-97561784-C-T.
Other names: c.-38-13496C>T (NM_001286254.3); c.645C>T, p.Val215= (NM_001286250.2); c.546C>T, p.Val182= (NM_001286251.2); c.753C>T, p.Val251= (NM_001286252.2, NM_001323252.2, NM_001323253.2); c.537C>T, p.Val179= (NM_001323254.2, NM_001323255.2, NM_001323257.2); c.832C>T, p.Pro278Ser (NM_001323256.2); c.*116C>T (NM_001323258.2, NM_001323259.2); c.84C>T, p.Val28= (NM_001323260.2, NM_001323261.2, NM_001323262.2); and 2 more; short protein forms P278S.
Identifiers: ClinVar variation 2656778 (VCV002656778.24), dbSNP rs147162226, ClinGen allele CA3931770.

ClinVar aggregate classification (germline): Likely benign (1 of 4 stars; one submission).

Allele frequency attached by ClinVar (database versions not stated): 1000 Genomes Project 30x 0.00187; 1000 Genomes Project 0.00240; TOPMed 0.00290; ESP Exome Variant Server 0.00323; gnomAD exomes 0.00634; gnomAD 0.00711; ExAC 0.00731.
gnomAD v4.1: 10,328 of 1,614,062 alleles (0.64%); highest among the groups gnomAD compares: Non-Finnish European, 0.56%; 107 homozygotes.

Submission:

CeGaT Center for Human Genetics Tuebingen
Classification: Likely benign. Last evaluated: 2022-08-01. Review status: criteria provided, single submitter. Criteria: CeGaT Center For Human Genetics Tuebingen Variant Classification Criteria Version 2. Collection method: clinical testing. Allele origin: germline. Affected: yes. Observed: 1 variant allele.
Comment: KLHL32: BP4, BP7